The following is an entry in ClinVar:

NM_002769.5(PRSS1):c.613G>A (p.Val205Ile)

Genes: PRSS1 (serine protease 1; plus strand), TRB (T cell receptor beta locus; plus strand). Cytogenetic location: 7q34.
Variant type: single nucleotide variant.
Coding change: c.613G>A on transcript NM_002769.5 (MANE Select); coding-DNA position 613, G replaced by A.
Protein change: p.Val205Ile; replaces valine 205 with isoleucine.
Molecular consequence: missense variant. On other transcripts: non-coding transcript variant (5).
Genome position (GRCh38, 1-based): chr7:142,752,889, G>A. VCF-style: chr7-142752889-G-A. GRCh37 (hg19) VCF-style: chr7-142460740-G-A.
Other names: short protein forms V205I.
Identifiers: ClinVar variation 1751827 (VCV001751827.6), dbSNP rs778021503, ClinGen allele CA4530118.

ClinVar aggregate classification (germline): Uncertain significance. Review status: criteria provided, multiple submitters, no conflicts (2 of 4 stars). 3 submissions from 3 submitters: Uncertain significance (3). Last evaluated 2025-12-09.

Conditions:
Hereditary pancreatitis (PCTT). Also called: Hereditary chronic pancreatitis; PRSS1-Related Hereditary Pancreatitis. Identifiers: Orphanet 676, MedGen C0238339, MONDO:0008185, OMIM 167800.

Allele frequency attached by ClinVar (database versions not stated): gnomAD exomes 0.00002; ExAC 0.00004.

Submissions (3):

Ambry Genetics
Classification: Uncertain significance for Hereditary pancreatitis. Last evaluated: 2025-12-09. Review status: criteria provided, single submitter. Criteria: Ambry Variant Classification Scheme 2023. Collection method: clinical testing. Allele origin: germline.
Comment: The p.V205I variant (also known as c.613G>A), located in coding exon 5 of the PRSS1 gene, results from a G to A substitution at nucleotide position 613. The valine at codon 205 is replaced by isoleucine, an amino acid with highly similar properties. This amino acid position is conserved. In addition, the in silico prediction for this alteration is inconclusive. Since supporting evidence is limited at this time, the clinical significance of this alteration remains unclear.

Women's Health and Genetics/Laboratory Corporation of America, LabCorp
Classification: Uncertain significance. Last evaluated: 2024-09-10. Review status: criteria provided, single submitter. Criteria: LabCorp Variant Classification Summary - May 2015. Collection method: clinical testing. Allele origin: germline.

Labcorp Genetics (formerly Invitae), Labcorp
Classification: Uncertain significance for Hereditary pancreatitis. Last evaluated: 2024-07-30. Review status: criteria provided, single submitter. Criteria: Invitae Variant Classification Sherloc (09022015). Collection method: clinical testing. Allele origin: germline.
Comment: This sequence change replaces valine, which is neutral and non-polar, with isoleucine, which is neutral and non-polar, at codon 205 of the PRSS1 protein (p.Val205Ile). The frequency data for this variant in the population databases is considered unreliable, as metrics indicate poor data quality at this position in the gnomAD database. This variant has not been reported in the literature in individuals affected with PRSS1-related conditions. ClinVar contains an entry for this variant (Variation ID: 1751827). Advanced modeling of protein sequence and biophysical properties (such as structural, functional, and spatial information, amino acid conservation, physicochemical variation, residue mobility, and thermodynamic stability) performed at Invitae indicates that this missense variant is not expected to disrupt PRSS1 protein function with a negative predictive value of 80%. In summary, the available evidence is currently insufficient to determine the role of this variant in disease. Therefore, it has been classified as a Variant of Uncertain Significance.